The following is an entry in ClinVar:

ClinVar aggregate classification (germline): Uncertain significance. Review status: criteria provided, multiple submitters, no conflicts (2 of 4 stars). 2 submissions from 2 submitters: Uncertain significance (2). Last evaluated 2025-08-02.

Conditions:
Inborn genetic diseases. Identifiers: MedGen C0950123, MeSH D030342.

Allele frequency attached by ClinVar (database versions not stated): ExAC 0.00001; TOPMed 0.00002; gnomAD 0.00002; gnomAD exomes 0.00002.
gnomAD v4.1: 37 of 1,612,754 alleles (0.0023%); highest among the groups gnomAD compares: Non-Finnish European, 0.0028%; no homozygotes.

Submissions (2):

Labcorp Genetics (formerly Invitae), Labcorp
Classification: Uncertain significance. Last evaluated: 2025-08-02. Review status: criteria provided, single submitter. Criteria: Invitae Variant Classification Sherloc (09022015). Collection method: clinical testing. Allele origin: germline.
Comment: This sequence change replaces arginine, which is basic and polar, with glutamine, which is neutral and polar, at codon 2737 of the SRCAP protein (p.Arg2737Gln). This variant is present in population databases (rs759115433, gnomAD 0.003%). This variant has not been reported in the literature in individuals affected with SRCAP-related conditions. ClinVar contains an entry for this variant (Variation ID: 2897079). Invitae Evidence Modeling of protein sequence and biophysical properties (such as structural, functional, and spatial information, amino acid conservation, physicochemical variation, residue mobility, and thermodynamic stability) indicates that this missense variant is not expected to disrupt SRCAP protein function with a negative predictive value of 80%. In summary, the available evidence is currently insufficient to determine the role of this variant in disease. Therefore, it has been classified as a Variant of Uncertain Significance.

Ambry Genetics
Classification: Uncertain significance for Inborn genetic diseases. Last evaluated: 2024-02-28. Review status: criteria provided, single submitter. Criteria: Ambry Variant Classification Scheme 2023. Collection method: clinical testing. Allele origin: germline.

NM_006662.3(SRCAP):c.8210G>A (p.Arg2737Gln)

Gene: SRCAP (Snf2 related CREBBP activator protein; plus strand). Cytogenetic location: 16p11.2.
Variant type: single nucleotide variant.
Coding change: c.8210G>A on transcript NM_006662.3 (MANE Select); coding-DNA position 8210, G replaced by A.
Protein change: p.Arg2737Gln; replaces arginine 2737 with glutamine.
Molecular consequence: missense variant.
Genome position (GRCh38, 1-based): chr16:30,738,250, G>A. VCF-style: chr16-30738250-G-A. GRCh37 (hg19) VCF-style: chr16-30749571-G-A.
Other names: c.8210G>A (NM_006662.2); short protein forms R2737Q.
Identifiers: ClinVar variation 2897079 (VCV002897079.4), dbSNP rs759115433, ClinGen allele CA8012642.
Genomic context (GRCh38, chr16:30,738,250, plus strand): 5'-CCCGACCTCCTCGGCGTCGCACCAGTGCTGATGTGGAAATTAGGGGTCAAGGGACTGGTC[G>A]GCCAGGACAACCACCAGGCCCCAAAGTGCTTCGAAAGCTGCCAGGACGGCTGGTAACTGT-3'
Protein context (NP_006653.2, residues 2727-2747): DVEIRGQGTG[Arg2737Gln]PGQPPGPKVL